The following is an entry in ClinVar:

ClinVar aggregate classification (germline): Uncertain significance (1 of 4 stars; one submission).

Allele frequency attached by ClinVar (database versions not stated): TOPMed below 0.00001.

Submission:

Labcorp Genetics (formerly Invitae), Labcorp
Classification: Uncertain significance. Last evaluated: 2021-09-09. Review status: criteria provided, single submitter. Criteria: Invitae Variant Classification Sherloc (09022015). Collection method: clinical testing. Allele origin: germline.
Comment: In summary, the available evidence is currently insufficient to determine the role of this variant in disease. Therefore, it has been classified as a Variant of Uncertain Significance. Algorithms developed to predict the effect of missense changes on protein structure and function (SIFT, PolyPhen-2, Align-GVGD) all suggest that this variant is likely to be tolerated. This variant has not been reported in the literature in individuals affected with TUBGCP6-related conditions. This variant is not present in population databases (ExAC no frequency). This sequence change replaces alanine with valine at codon 1454 of the TUBGCP6 protein (p.Ala1454Val). The alanine residue is weakly conserved and there is a small physicochemical difference between alanine and valine.

NM_020461.4(TUBGCP6):c.4361C>T (p.Ala1454Val)

Gene: TUBGCP6 (tubulin gamma complex component 6; minus strand). Cytogenetic location: 22q13.33.
Variant type: single nucleotide variant.
Coding change: c.4361C>T on transcript NM_020461.4 (MANE Select); coding-DNA position 4361, C replaced by T.
Protein change: p.Ala1454Val; replaces alanine 1454 with valine.
Molecular consequence: missense variant.
Genome position (GRCh38, 1-based): chr22:50,219,411, G>A on the plus strand (C>T on the coding strand, the complement: TUBGCP6 is on the minus strand). VCF-style: chr22-50219411-G-A. GRCh37 (hg19) VCF-style: chr22-50657840-G-A.
Other names: short protein forms A1454V.
Identifiers: ClinVar variation 1383103 (VCV001383103.6), dbSNP rs2064476488, ClinGen allele CA412172432.